The following is an entry in ClinVar:

NM_001375524.1(TRRAP):c.6660C>T (p.His2220=)

Gene: TRRAP (transformation/transcription domain associated protein; plus strand). Cytogenetic location: 7q22.1.
Variant type: single nucleotide variant.
Coding change: c.6660C>T on transcript NM_001375524.1 (MANE Select); coding-DNA position 6660, C replaced by T.
Protein change: p.His2220=; no amino-acid change (histidine 2220 retained).
Molecular consequence: synonymous variant.
Genome position (GRCh38, 1-based): chr7:98,961,431, C>T. VCF-style: chr7-98961431-C-T. GRCh37 (hg19) VCF-style: chr7-98559054-C-T.
Other names: c.6639C>T, p.His2213= (NM_001244580.2); c.6585C>T, p.His2195= (NM_003496.4).
Identifiers: ClinVar variation 2073509 (VCV002073509.12), dbSNP rs551187551, ClinGen allele CA4360927.
Genomic context (GRCh38, chr7:98,961,431, plus strand): 5'-GCAGCGTGGAATTGCCGCCTGCATGACATGTGGAAACACCAAGGTGTTGCGAGCCGTCCA[C>T]AGCCTTCTCTCGCGCCTGATGAGCATTTTCCCAACAGAGCCGAGTATGTGACCTTTCCCA-3'
Protein context (NP_001362453.1, residues 2210-2230): CGNTKVLRAV[His2220=]SLLSRLMSIF

ClinVar aggregate classification (germline): Likely benign. Review status: criteria provided, multiple submitters, no conflicts (2 of 4 stars). 3 submissions from 3 submitters: Likely benign (3). Last evaluated 2025-11-24.

Allele frequency attached by ClinVar (database versions not stated): TOPMed 0.00004; ExAC 0.00007; gnomAD 0.00007; gnomAD exomes 0.00009.
gnomAD v4.1: 142 of 1,614,256 alleles (0.0088%); highest among the groups gnomAD compares: Non-Finnish European, 0.0091%; no homozygotes.

Submissions (3):

Labcorp Genetics (formerly Invitae), Labcorp
Classification: Likely benign. Last evaluated: 2025-11-24. Review status: criteria provided, single submitter. Criteria: Invitae Variant Classification Sherloc (09022015). Collection method: clinical testing. Allele origin: germline.

CeGaT Center for Human Genetics Tuebingen
Classification: Likely benign. Last evaluated: 2025-09-01. Review status: criteria provided, single submitter. Criteria: CeGaT Center For Human Genetics Tuebingen Variant Classification Criteria Version 2. Collection method: clinical testing. Allele origin: germline. Affected: yes. Observed: 1 variant allele.
Comment: TRRAP: BP4, BP7

Blueprint Genetics
Classification: Likely benign. Last evaluated: 2024-09-02. Review status: criteria provided, single submitter. Criteria: ACMG Guidelines, 2015. Collection method: clinical testing. Allele origin: germline.